The following is an entry in ClinVar:

NM_006946.4(SPTBN2):c.1924C>T (p.Arg642Trp)

Gene: SPTBN2 (spectrin beta, non-erythrocytic 2; minus strand). Cytogenetic location: 11q13.2.
Variant type: single nucleotide variant.
Coding change: c.1924C>T on transcript NM_006946.4 (MANE Select); coding-DNA position 1924, C replaced by T.
Protein change: p.Arg642Trp; replaces arginine 642 with tryptophan.
Molecular consequence: missense variant.
Genome position (GRCh38, 1-based): chr11:66,705,352, G>A on the plus strand (C>T on the coding strand, the complement: SPTBN2 is on the minus strand). VCF-style: chr11-66705352-G-A. GRCh37 (hg19) VCF-style: chr11-66472823-G-A.
Other names: short protein forms R642W.
Identifiers: ClinVar variation 1472492 (VCV001472492.8), dbSNP rs781376193, ClinGen allele CA6129213.
Genomic context (GRCh38, chr11:66,705,352, plus strand): 5'-GCTGCTGCTCCCGCACCCAGGCCTCAGCTTCACCCACCTCCCAGAGGAAACGCCAGAGCC[G>A]CCGTGATTCCTCCAGCCGGGCCCGCCGCGCCGCTGCCAACTCGCACAGTGCCTCATAGCT-3'
Protein context (NP_008877.2, residues 632-652): ARRARLEESR[Arg642Trp]LWRFLWEVGE

ClinVar aggregate classification (germline): Uncertain significance (1 of 4 stars; one submission).

Allele frequency attached by ClinVar (database versions not stated): gnomAD exomes below 0.00001; ExAC 0.00001; gnomAD 0.00001; TOPMed 0.00001.
gnomAD v4.1: 8 of 1,611,490 alleles (0.0005%); highest among the groups gnomAD compares: Non-Finnish European, 0.00059%; no homozygotes.

Submission:

Labcorp Genetics (formerly Invitae), Labcorp
Classification: Uncertain significance. Last evaluated: 2020-11-23. Review status: criteria provided, single submitter. Criteria: Invitae Variant Classification Sherloc (09022015). Collection method: clinical testing. Allele origin: germline.
Comment: In summary, the available evidence is currently insufficient to determine the role of this variant in disease. Therefore, it has been classified as a Variant of Uncertain Significance. Algorithms developed to predict the effect of sequence changes on RNA splicing suggest that this variant may create or strengthen a splice site, but this prediction has not been confirmed by published transcriptional studies. Advanced modeling of protein sequence and biophysical properties (such as structural, functional, and spatial information, amino acid conservation, physicochemical variation, residue mobility, and thermodynamic stability) performed at Invitae indicates that this missense variant is not expected to disrupt SPTBN2 protein function. This variant has not been reported in the literature in individuals with SPTBN2-related conditions. This variant is present in population databases (rs781376193, ExAC 0.002%). This sequence change replaces arginine with tryptophan at codon 642 of the SPTBN2 protein (p.Arg642Trp). The arginine residue is moderately conserved and there is a moderate physicochemical difference between arginine and tryptophan.